The following is an entry in ClinVar:

ClinVar aggregate classification (germline): Uncertain significance (1 of 4 stars; one submission).

gnomAD v4.1: 4 of 1,614,218 alleles (0.00025%); highest among the groups gnomAD compares: Middle Eastern, 0.033%; no homozygotes.

Submission:

Labcorp Genetics (formerly Invitae), Labcorp
Classification: Uncertain significance. Last evaluated: 2025-07-03. Review status: criteria provided, single submitter. Criteria: Invitae Variant Classification Sherloc (09022015). Collection method: clinical testing. Allele origin: germline.
Comment: This sequence change replaces aspartic acid, which is acidic and polar, with tyrosine, which is neutral and polar, at codon 117 of the GPI protein (p.Asp117Tyr). This variant is present in population databases (rs778762430, gnomAD 0.0009%). This variant has not been reported in the literature in individuals affected with GPI-related conditions. Invitae Evidence Modeling of protein sequence and biophysical properties (such as structural, functional, and spatial information, amino acid conservation, physicochemical variation, residue mobility, and thermodynamic stability) indicates that this missense variant is expected to disrupt GPI protein function with a positive predictive value of 95%. In summary, the available evidence is currently insufficient to determine the role of this variant in disease. Therefore, it has been classified as a Variant of Uncertain Significance.

NM_000175.5(GPI):c.349G>T (p.Asp117Tyr)

Gene: GPI (glucose-6-phosphate isomerase; plus strand). Cytogenetic location: 19q13.11.
Variant type: single nucleotide variant.
Coding change: c.349G>T on transcript NM_000175.5 (MANE Select); coding-DNA position 349, G replaced by T.
Protein change: p.Asp117Tyr; replaces aspartic acid 117 with tyrosine.
Molecular consequence: missense variant.
Genome position (GRCh38, 1-based): chr19:34,368,649, G>T. VCF-style: chr19-34368649-G-T. GRCh37 (hg19) VCF-style: chr19-34859554-G-T.
Other names: c.466G>T, p.Asp156Tyr (NM_001184722.1, NM_001289789.1, NM_001440422.1); c.349G>T, p.Asp117Tyr (NM_001289790.3, NM_001329909.1, NM_001329910.1 and 1 more transcripts); short protein forms D117Y, D156Y.
Identifiers: ClinVar variation 4761077 (VCV004761077.1).